The following is an entry in ClinVar:

NM_022124.6(CDH23):c.6841G>A (p.Val2281Ile)

Gene: CDH23 (cadherin related 23; plus strand). Cytogenetic location: 10q22.1.
Variant type: single nucleotide variant.
Coding change: c.6841G>A on transcript NM_022124.6 (MANE Select); coding-DNA position 6841, G replaced by A.
Protein change: p.Val2281Ile; replaces valine 2281 with isoleucine.
Molecular consequence: missense variant.
Genome position (GRCh38, 1-based): chr10:71,798,365, G>A. VCF-style: chr10-71798365-G-A. GRCh37 (hg19) VCF-style: chr10-73558122-G-A.
Other names: c.121G>A, p.Val41Ile (NM_001171933.1, NM_001171934.1); short protein forms V2281I, V41I.
Identifiers: ClinVar variation 1175713 (VCV001175713.4), dbSNP rs2132965400, ClinGen allele CA377157653.

ClinVar aggregate classification (germline): Uncertain significance. Review status: criteria provided, multiple submitters, no conflicts (2 of 4 stars). 2 submissions from 2 submitters: Uncertain significance (2). Last evaluated 2022-02-11.

Conditions:
Usher syndrome type 1D (USH1D). Also called: USHER SYNDROME, TYPE ID. Identifiers: Orphanet 231169, Orphanet 886, MedGen C1832845, MONDO:0010984, OMIM 601067.
Autosomal recessive nonsyndromic hearing loss 12. Also called: DEAFNESS, AUTOSOMAL RECESSIVE 12. Identifiers: Orphanet 90636, MedGen C1832394, MONDO:0011067, OMIM 601386.
Pituitary adenoma 5, multiple types. Identifiers: MedGen C4539685, MONDO:0054601, OMIM 617540.

Allele frequency attached by ClinVar (database versions not stated): gnomAD exomes below 0.00001.
gnomAD v4.1: 1 of 1,613,664 alleles (0.000062%); highest among the groups gnomAD compares: South Asian, 0.0011%; no homozygotes.

Submissions (2):

Labcorp Genetics (formerly Invitae), Labcorp
Classification: Uncertain significance. Last evaluated: 2022-02-11. Review status: criteria provided, single submitter. Criteria: Invitae Variant Classification Sherloc (09022015). Collection method: clinical testing. Allele origin: germline.
Comment: This sequence change replaces valine, which is neutral and non-polar, with isoleucine, which is neutral and non-polar, at codon 2281 of the CDH23 protein (p.Val2281Ile). This variant is not present in population databases (gnomAD no frequency). This variant has not been reported in the literature in individuals affected with CDH23-related conditions. ClinVar contains an entry for this variant (Variation ID: 1175713). Algorithms developed to predict the effect of missense changes on protein structure and function output the following: SIFT: "Deleterious"; PolyPhen-2: "Not Available"; Align-GVGD: "Class C25". The isoleucine amino acid residue is found in multiple mammalian species, which suggests that this missense change does not adversely affect protein function. In summary, the available evidence is currently insufficient to determine the role of this variant in disease. Therefore, it has been classified as a Variant of Uncertain Significance.

Center of Genomic medicine, Geneva, University Hospital of Geneva
Classification: Uncertain significance for Autosomal recessive nonsyndromic hearing loss 12; Pituitary adenoma 5, multiple types; Usher syndrome type 1D. Last evaluated: 2019-07-04. Review status: criteria provided, single submitter. Criteria: ACMG Guidelines, 2015. Collection method: clinical testing. Allele origin: germline. Affected: yes.